The following is an entry in ClinVar:

NM_024334.3(TMEM43):c.706-2A>G

Gene: TMEM43 (transmembrane protein 43; plus strand). Cytogenetic location: 3p25.1.
Variant type: single nucleotide variant.
Coding change: c.706-2A>G on transcript NM_024334.3 (MANE Select); the canonical splice acceptor site of the intron before coding-DNA position 706, A replaced by G.
Molecular consequence: splice acceptor variant. On other transcripts: intron variant (1).
Genome position (GRCh38, 1-based): chr3:14,135,156, A>G. VCF-style: chr3-14135156-A-G. GRCh37 (hg19) VCF-style: chr3-14176656-A-G.
Other names: c.709-2A>G (NM_001407274.1); c.706-2A>G (NM_001407276.1, NM_001407275.1, NM_001407277.1); c.705+265A>G (NM_001407279.1); c.691-2A>G (NM_001407278.1); c.556-2A>G (NM_001407280.1).
Identifiers: ClinVar variation 4747960 (VCV004747960.1).
Genomic context (GRCh38, chr3:14,135,156, plus strand): 5'-TGGACCTGGGCCTGGGCCAGCTACTCCGTTCCTCACTCTCCCTGCTTCTCTTCCACCCCC[A>G]GGTGGGAGACTTGCGTGTCTCCTTTTCCTATGCTGGACTGAGCGGCGATGACCCTGACCT-3'

ClinVar aggregate classification (germline): Uncertain significance (1 of 4 stars; one submission).

Conditions:
Arrhythmogenic right ventricular dysplasia 5. Also called: Arrhythmogenic Right Ventricular Dysplasia/Cardiomyopathy 5; ARRHYTHMOGENIC RIGHT VENTRICULAR DYSPLASIA, FAMILIAL, 5. Identifiers: MedGen C1858379, MONDO:0011459, OMIM 604400.

Submission:

Labcorp Genetics (formerly Invitae), Labcorp
Classification: Uncertain significance for Arrhythmogenic right ventricular dysplasia 5. Last evaluated: 2025-08-29. Review status: criteria provided, single submitter. Criteria: Invitae Variant Classification Sherloc (09022015). Collection method: clinical testing. Allele origin: germline.
Comment: This sequence change affects an acceptor splice site in intron 8 of the TMEM43 gene. It is expected to disrupt RNA splicing. Variants that disrupt the donor or acceptor splice site typically lead to a loss of protein function (PMID: 16199547), however the current clinical and genetic evidence is not sufficient to establish whether loss-of-function variants in TMEM43 cause disease. This variant is not present in population databases (gnomAD no frequency). This variant has not been reported in the literature in individuals affected with TMEM43-related conditions. Algorithms developed to predict the effect of sequence changes on RNA splicing suggest that this variant may disrupt the consensus splice site. In summary, the available evidence is currently insufficient to determine the role of this variant in disease. Therefore, it has been classified as a Variant of Uncertain Significance.

Literature cited by the submitters: PubMed 16199547.